The following is an entry in ClinVar:

NM_001378328.1(CELSR1):c.5844A>G (p.Lys1948=)

Gene: CELSR1 (cadherin EGF LAG seven-pass G-type receptor 1; minus strand). Cytogenetic location: 22q13.31.
Variant type: single nucleotide variant.
Coding change: c.5844A>G on transcript NM_001378328.1 (MANE Select); coding-DNA position 5844, A replaced by G.
Protein change: p.Lys1948=; no amino-acid change (lysine 1948 retained).
Molecular consequence: synonymous variant.
Genome position (GRCh38, 1-based): chr22:46,394,262, T>C on the plus strand (A>G on the coding strand, the complement: CELSR1 is on the minus strand). VCF-style: chr22-46394262-T-C. GRCh37 (hg19) VCF-style: chr22-46790159-T-C.
Other names: c.5844A>G, p.Lys1948= (NM_014246.4).
Identifiers: ClinVar variation 711094 (VCV000711094.7), dbSNP rs143283686, ClinGen allele CA10294055.

ClinVar aggregate classification (germline): Likely benign. Review status: criteria provided, multiple submitters, no conflicts (2 of 4 stars). 4 submissions from 4 submitters: Likely benign (3). 1 of the submissions does not count toward it. Last evaluated 2025-08-03.

Conditions:
CELSR1-related disorder. Also called: CELSR1-related condition.

Allele frequency attached by ClinVar (database versions not stated): gnomAD exomes 0.00020 and 0.00029; ExAC 0.00042; gnomAD 0.00128 and 0.00133; TOPMed 0.00130; ESP Exome Variant Server 0.00138; 1000 Genomes Project 30x 0.00219; 1000 Genomes Project 0.00220.
gnomAD v4.1: 512 of 1,611,940 alleles (0.032%); highest among the groups gnomAD compares: African/African-American, 0.45%; 2 homozygotes.

Submissions (4):

Ambry Genetics
Classification: Likely benign. Last evaluated: 2025-08-03. Review status: criteria provided, single submitter. Criteria: Ambry Variant Classification Scheme 2023. Collection method: clinical testing. Allele origin: germline.

Labcorp Genetics (formerly Invitae), Labcorp
Classification: Likely benign. Last evaluated: 2017-08-02. Review status: criteria provided, single submitter. Criteria: Invitae Variant Classification Sherloc (09022015). Collection method: clinical testing. Allele origin: germline.

Breakthrough Genomics
Classification: Likely benign. Review status: criteria provided, single submitter. Criteria: ACMG Guidelines, 2015. Collection method: not provided. Allele origin: germline. Inheritance: Autosomal dominant inheritance. Affected: yes.

PreventionGenetics, part of Exact Sciences
Classification: Likely benign for CELSR1-related condition. Last evaluated: 2021-01-19. Review status: no assertion criteria provided. Collection method: clinical testing. Allele origin: germline. Not counted in ClinVar's aggregate classification.
Comment: This variant is classified as likely benign based on ACMG/AMP sequence variant interpretation guidelines (Richards et al. 2015 PMID: 25741868, with internal and published modifications).